The following is an entry in ClinVar:

NC_000003.12:g.(?_52399047)_(52409878_?)del

Genes: BAP1 (BRCA1 associated deubiquitinase 1; minus strand), DNAH1 (dynein axonemal heavy chain 1; plus strand). Cytogenetic location: 3p21.1.
Variant type: Deletion.
Identifiers: ClinVar variation 833290 (VCV000833290.7).

ClinVar aggregate classification (germline): Pathogenic (1 of 4 stars; one submission).

Conditions:
BAP1-related tumor predisposition syndrome (TPDS1). Also called: COMMON Syndrome; TUMOR PREDISPOSITION SYNDROME 1; Tumor susceptibility linked to germline BAP1 mutations; BAP1 tumor predisposition syndrome. Identifiers: Orphanet 289539, MedGen C3280492, MONDO:0013692, OMIM 614327.

Submission:

Labcorp Genetics (formerly Invitae), Labcorp
Classification: Pathogenic for BAP1-related tumor predisposition syndrome. Last evaluated: 2021-11-06. Review status: criteria provided, single submitter. Criteria: Invitae Variant Classification Sherloc (09022015). Collection method: clinical testing. Allele origin: germline.
Comment: For these reasons, this variant has been classified as Pathogenic. A gross deletion of the genomic region encompassing the full coding sequence of the BAP1 gene has been identified. Loss-of-function variants in BAP1 are known to be pathogenic (PMID: 21874000, 23684012). The boundaries of this event are unknown as they extend beyond the assayed region for this gene and therefore may encompass additional genes. This variant has not been reported in the literature in individuals affected with BAP1-related conditions.

Literature cited by the submitters: PubMed 21874000; PubMed 23684012.